The following is an entry in ClinVar:

ClinVar aggregate classification (germline): Uncertain significance (1 of 4 stars; one submission).

Conditions:
Inborn genetic diseases. Identifiers: MedGen C0950123, MeSH D030342.

Submission:

Ambry Genetics
Classification: Uncertain significance for Inborn genetic diseases. Last evaluated: 2025-06-22. Review status: criteria provided, single submitter. Criteria: Ambry Variant Classification Scheme 2023. Collection method: clinical testing. Allele origin: germline.
Comment: The p.Q1064R variant (also known as c.3191A>G), located in coding exon 24 of the ANKRD26 gene, results from an A to G substitution at nucleotide position 3191. The glutamine at codon 1064 is replaced by arginine, an amino acid with highly similar properties. This amino acid position is conserved. In addition, this alteration is predicted to be tolerated by in silico analysis. Based on the available evidence, the clinical significance of this variant remains unclear.

NM_014915.3(ANKRD26):c.3191A>G (p.Gln1064Arg)

Gene: ANKRD26 (ankyrin repeat domain containing 26; minus strand). Cytogenetic location: 10p12.1.
Variant type: single nucleotide variant.
Coding change: c.3191A>G on transcript NM_014915.3 (MANE Select); coding-DNA position 3191, A replaced by G.
Protein change: p.Gln1064Arg; replaces glutamine 1064 with arginine.
Molecular consequence: missense variant.
Genome position (GRCh38, 1-based): chr10:27,035,259, T>C on the plus strand (A>G on the coding strand, the complement: ANKRD26 is on the minus strand). VCF-style: chr10-27035259-T-C. GRCh37 (hg19) VCF-style: chr10-27324188-T-C.
Other names: c.3188A>G, p.Gln1063Arg (NM_001256053.2); short protein forms Q1064R, Q1063R.
Identifiers: ClinVar variation 4102901 (VCV004102901.1).